The following is an entry in ClinVar:

ClinVar aggregate classification (germline): Uncertain significance. Review status: criteria provided, multiple submitters, no conflicts (2 of 4 stars). 3 submissions from 3 submitters: Uncertain significance (3). Last evaluated 2025-07-21.

Conditions:
Dilated cardiomyopathy 1G (CMD1G). Identifiers: Orphanet 154, MedGen C1858763, MONDO:0011400, OMIM 604145.
Autosomal recessive limb-girdle muscular dystrophy type 2J (LGMDR10). Also called: MUSCULAR DYSTROPHY, LIMB-GIRDLE, AUTOSOMAL RECESSIVE 10; Limb-girdle muscular dystrophy, type 2J. Identifiers: Orphanet 140922, MedGen C1837342, MONDO:0012127, OMIM 608807.
TTN-related disorder. Also called: TTN-related condition; TTN-related disease; TTN-related disorders.

Allele frequency attached by ClinVar (database versions not stated): TOPMed 0.00002; gnomAD 0.00001 and 0.00002; gnomAD exomes 0.00001.
gnomAD v4.1: 23 of 1,612,596 alleles (0.0014%); highest among the groups gnomAD compares: Admixed American, 0.005%; no homozygotes.

Submissions (3):

PreventionGenetics, part of Exact Sciences
Classification: Uncertain significance for TTN-related condition. Last evaluated: 2025-07-21. Review status: criteria provided, single submitter. Criteria: ACMG Guidelines, 2015. Collection method: clinical testing. Allele origin: germline.
Comment: The TTN c.48119G>A variant is predicted to result in the amino acid substitution p.Arg16040His. To our knowledge, this variant has not been reported in the literature. This variant is reported in 0.0058% of alleles in individuals of Latino descent in gnomAD. At this time, the clinical significance of this variant is uncertain due to the absence of conclusive functional and genetic evidence.

Clinical Genetics Laboratory, Skane University Hospital Lund
Classification: Uncertain significance. Last evaluated: 2022-11-24. Review status: criteria provided, single submitter. Criteria: ACMG Guidelines, 2015. Collection method: clinical testing. Allele origin: germline. Affected: yes.

Labcorp Genetics (formerly Invitae), Labcorp
Classification: Uncertain significance for Dilated cardiomyopathy 1G; Autosomal recessive limb-girdle muscular dystrophy type 2J. Last evaluated: 2017-11-29. Review status: criteria provided, single submitter. Criteria: Invitae Variant Classification Sherloc (09022015). Collection method: clinical testing. Allele origin: germline.

NM_001267550.2(TTN):c.48119G>A (p.Arg16040His)

Genes: TTN (titin; minus strand), TTN-AS1 (TTN antisense RNA 1; plus strand). Cytogenetic location: 2q31.2.
Variant type: single nucleotide variant.
Coding change: c.48119G>A on transcript NM_001267550.2 (MANE Select); coding-DNA position 48119, G replaced by A.
Protein change: p.Arg16040His; replaces arginine 16040 with histidine.
Molecular consequence: missense variant.
Genome position (GRCh38, 1-based): chr2:178,616,770, C>T on the plus strand (G>A on the coding strand, the complement: TTN is on the minus strand). VCF-style: chr2-178616770-C-T. GRCh37 (hg19) VCF-style: chr2-179481497-C-T.
Other names: c.43196G>A, p.Arg14399His (NM_001256850.1); c.20924G>A, p.Arg6975His (NM_003319.4); c.40415G>A, p.Arg13472His (NM_133378.4); c.21299G>A, p.Arg7100His (NM_133432.3); c.21500G>A, p.Arg7167His (NM_133437.4); short protein forms R16040H, R13472H, R7167H, R14399H, R6975H, R7100H.
Identifiers: ClinVar variation 535358 (VCV000535358.5), dbSNP rs956699957, ClinGen allele CA60989549.